The following is an entry in ClinVar:

NM_001278116.2(L1CAM):c.2686C>T (p.Gln896Ter)

Gene: L1CAM (L1 cell adhesion molecule; minus strand). Cytogenetic location: Xq28.
Variant type: single nucleotide variant.
Coding change: c.2686C>T on transcript NM_001278116.2 (MANE Select); coding-DNA position 2686, C replaced by T.
Protein change: p.Gln896Ter; replaces glutamine 896 with a stop codon.
Molecular consequence: nonsense.
Genome position (GRCh38, 1-based): chrX:153,865,362, G>A on the plus strand (C>T on the coding strand, the complement: L1CAM is on the minus strand). VCF-style: chrX-153865362-G-A. GRCh37 (hg19) VCF-style: chrX-153130817-G-A.
Other names: c.2686C>T, p.Gln896Ter (NM_000425.5, NM_024003.3); c.2671C>T, p.Gln891Ter (NM_001143963.2); short protein forms Q891*, Q896*.
Identifiers: ClinVar variation 5000508 (VCV005000508.1).

ClinVar aggregate classification (germline): Pathogenic (1 of 4 stars; one submission).

Conditions:
L1CAM-related disorder. Also called: L1CAM-related condition.

Submission:

PreventionGenetics, part of Exact Sciences
Classification: Pathogenic for L1CAM-related condition. Last evaluated: 2025-09-26. Review status: criteria provided, single submitter. Criteria: ACMG Guidelines, 2015. Collection method: clinical testing. Allele origin: germline.
Comment: The L1CAM c.2686C>T variant is predicted to result in premature protein termination (p.Gln896*). To our knowledge, this variant has not been reported in the literature or in a large population database (gnomAD), indicating this variant is rare. Nonsense variants in L1CAM are expected to be pathogenic. This variant is interpreted as pathogenic.